The following is an entry in ClinVar:

NM_006031.6(PCNT):c.5583G>A (p.Ala1861=)

Gene: PCNT (pericentrin; plus strand). Cytogenetic location: 21q22.3.
Variant type: single nucleotide variant.
Coding change: c.5583G>A on transcript NM_006031.6 (MANE Select); coding-DNA position 5583, G replaced by A.
Protein change: p.Ala1861=; no amino-acid change (alanine 1861 retained).
Molecular consequence: synonymous variant.
Genome position (GRCh38, 1-based): chr21:46,411,656, G>A. VCF-style: chr21-46411656-G-A. GRCh37 (hg19) VCF-style: chr21-47831570-G-A.
Other names: c.5229G>A, p.Ala1743= (NM_001315529.2).
Identifiers: ClinVar variation 436200 (VCV000436200.10), dbSNP rs770667557, ClinGen allele CA10080033.
Genomic context (GRCh38, chr21:46,411,656, plus strand): 5'-TGTAGCCCTCAGGGAGGCTGAGGTCGAAGACATGGCCTCCCGGATCCAGGAGTTCGAAGC[G>A]GCCCTGAAAGCAAAGGAAGCGACGATTGCCGAGAGAAATTTAGAAATCGACGCTCTGAAC-3'
Protein context (NP_006022.3, residues 1851-1871): DMASRIQEFE[Ala1861=]ALKAKEATIA

ClinVar aggregate classification (germline): Likely benign. Review status: criteria provided, multiple submitters, no conflicts (2 of 4 stars). 3 submissions from 3 submitters: Likely benign (3). Last evaluated 2025-08-11.

Conditions:
PCNT-related disorder. Also called: PCNT-related condition.

Allele frequency attached by ClinVar (database versions not stated): gnomAD 0.00001; gnomAD exomes 0.00002 and 0.00003; TOPMed 0.00002; ExAC 0.00004.
gnomAD v4.1: 22 of 1,613,056 alleles (0.0014%); highest among the groups gnomAD compares: South Asian, 0.0055%; no homozygotes.

Submissions (3):

PreventionGenetics, part of Exact Sciences
Classification: Likely benign for PCNT-related condition. Last evaluated: 2025-08-11. Review status: criteria provided, single submitter. Criteria: ACMG Guidelines, 2015. Collection method: clinical testing. Allele origin: germline.
Comment: This variant is classified as likely benign based on ACMG/AMP sequence variant interpretation guidelines (Richards et al. 2015 PMID: 25741868, with internal and published modifications).

Labcorp Genetics (formerly Invitae), Labcorp
Classification: Likely benign. Last evaluated: 2023-06-11. Review status: criteria provided, single submitter. Criteria: Invitae Variant Classification Sherloc (09022015). Collection method: clinical testing. Allele origin: germline.

Genetic Services Laboratory, University of Chicago
Classification: Likely benign. Last evaluated: 2017-04-14. Review status: criteria provided, single submitter. Criteria: ACMG Guidelines, 2015. Collection method: clinical testing. Allele origin: germline. Affected: no.